The following is an entry in ClinVar:

ClinVar aggregate classification (germline): Conflicting classifications of pathogenicity. Review status: criteria provided, conflicting classifications (1 of 4 stars). 2 submissions from 2 submitters: Uncertain significance (1); Likely benign (1). Last evaluated 2025-09-19.

Conditions:
Hypertrophic cardiomyopathy 20. Identifiers: MedGen C3151267, MONDO:0013477, OMIM 613876.
Dilated cardiomyopathy 1CC (CMD1CC). Identifiers: Orphanet 154, MedGen C2751084, MONDO:0013147, OMIM 613122.

Allele frequency attached by ClinVar (database versions not stated): gnomAD exomes 0.00001; TOPMed 0.00013; gnomAD 0.00015 and 0.00017.
gnomAD v4.1: 35 of 1,608,306 alleles (0.0022%); highest among the groups gnomAD compares: African/African-American, 0.047%; no homozygotes.

Submissions (2):

Labcorp Genetics (formerly Invitae), Labcorp
Classification: Likely benign for Dilated cardiomyopathy 1CC; Hypertrophic cardiomyopathy 20. Last evaluated: 2025-09-19. Review status: criteria provided, single submitter. Criteria: Invitae Variant Classification Sherloc (09022015). Collection method: clinical testing. Allele origin: germline.

GeneDx
Classification: Uncertain significance. Last evaluated: 2019-10-02. Review status: criteria provided, single submitter. Criteria: GeneDx Variant Classification Process June 2021. Collection method: clinical testing. Allele origin: germline. Affected: yes.
Comment: Has not been previously published as pathogenic or benign to our knowledge; In-silico analysis, which includes splice predictors and evolutionary conservation, is inconclusive as to whether the variant alters gene splicing. In the absence of RNA/functional studies, the actual effect of this sequence change is unknown.

NM_144573.4(NEXN):c.1252-11T>G

Gene: NEXN (nexilin F-actin binding protein; plus strand). Cytogenetic location: 1p31.1.
Variant type: single nucleotide variant.
Coding change: c.1252-11T>G on transcript NM_144573.4 (MANE Select); 11 bases into the intron before coding-DNA position 1252, T replaced by G.
Molecular consequence: intron variant.
Genome position (GRCh38, 1-based): chr1:77,935,812, T>G. VCF-style: chr1-77935812-T-G. GRCh37 (hg19) VCF-style: chr1-78401497-T-G.
Other names: c.1060-11T>G (NM_001172309.2).
Identifiers: ClinVar variation 504371 (VCV000504371.10), dbSNP rs781115798, ClinGen allele CA918849.